The following is an entry in ClinVar:

NM_000191.3(HMGCL):c.594C>G (p.Tyr198Ter)

Gene: HMGCL (3-hydroxy-3-methylglutaryl-CoA lyase; minus strand). Cytogenetic location: 1p36.11.
Variant type: single nucleotide variant.
Coding change: c.594C>G on transcript NM_000191.3 (MANE Select); coding-DNA position 594, C replaced by G.
Protein change: p.Tyr198Ter; replaces tyrosine 198 with a stop codon.
Molecular consequence: nonsense.
Genome position (GRCh38, 1-based): chr1:23,808,291, G>C on the plus strand (C>G on the coding strand, the complement: HMGCL is on the minus strand). VCF-style: chr1-23808291-G-C. GRCh37 (hg19) VCF-style: chr1-24134781-G-C.
Other names: c.381C>G, p.Tyr127Ter (NM_001166059.2); short protein forms Y127*, Y198*.
Identifiers: ClinVar variation 984176 (VCV000984176.3), dbSNP rs139799938, ClinGen allele CA339024404.

ClinVar aggregate classification (germline): Likely pathogenic (1 of 4 stars; one submission).

Conditions:
Deficiency of hydroxymethylglutaryl-CoA lyase (HMGCLD). Also called: HMGCL DEFICIENCY; HYDROXYMETHYLGLUTARIC ACIDURIA; HMG-CoA LYASE DEFICIENCY; Defect in leucine metabolism; 3-hydroxy-3-methylglutaric aciduria. Identifiers: Orphanet 20, MedGen C1533587, MONDO:0009520, OMIM 246450.

gnomAD v4.1: 1 of 1,614,070 alleles (0.000062%); highest among the groups gnomAD compares: Non-Finnish European, 0.000085%; no homozygotes.

Submission:

Myriad Genetics, Inc.
Classification: Likely pathogenic for Deficiency of hydroxymethylglutaryl-CoA lyase. Last evaluated: 2019-06-13. Review status: criteria provided, single submitter. Criteria: Myriad Women's Health Autosomal Recessive and X-Linked Classification Criteria (2019). Collection method: clinical testing. Allele origin: unknown.
Comment: NM_000191.2(HMGCL):c.594C>G(Y198*) is expected to be pathogenic in the context of HMG-CoA lyase deficiency. This variant is predicted to lead to an abnormal or absent protein product due to the creation of a premature termination codon in HMGCL, a gene where loss-of-function variants are known to be pathogenic. Please note: this variant was assessed in the context of healthy population screening.